The following is an entry in ClinVar:

NM_001378609.3(OTOGL):c.4347A>T (p.Thr1449=)

Gene: OTOGL (otogelin like; plus strand). Cytogenetic location: 12q21.31.
Variant type: single nucleotide variant.
Coding change: c.4347A>T on transcript NM_001378609.3 (MANE Select); coding-DNA position 4347, A replaced by T.
Protein change: p.Thr1449=; no amino-acid change (threonine 1449 retained).
Molecular consequence: synonymous variant.
Genome position (GRCh38, 1-based): chr12:80,329,118, A>T. VCF-style: chr12-80329118-A-T. GRCh37 (hg19) VCF-style: chr12-80722898-A-T.
Other names: c.4212A>T, p.Thr1404= (NM_001368062.3); c.4347A>T, p.Thr1449= (NM_001378610.3, NM_173591.7); c.4320A>T (NM_173591.3).
Identifiers: ClinVar variation 2696095 (VCV002696095.7), dbSNP rs779874163, ClinGen allele CA6701350.

ClinVar aggregate classification (germline): Conflicting classifications of pathogenicity. Review status: criteria provided, conflicting classifications (1 of 4 stars). 4 submissions from 4 submitters: Likely pathogenic (1); Uncertain significance (3). Last evaluated 2026-04-22.

Conditions:
OTOGL-related disorder. Also called: OTOGL-related condition.

Allele frequency attached by ClinVar (database versions not stated): gnomAD exomes below 0.00001; TOPMed 0.00001; ExAC 0.00002.

Submissions (4):

PreventionGenetics, part of Exact Sciences
Classification: Uncertain significance for OTOGL-related condition. Last evaluated: 2026-04-22. Review status: criteria provided, single submitter. Criteria: ACMG Guidelines, 2015. Collection method: clinical testing. Allele origin: germline.
Comment: The OTOGL c.4320A>T variant is not predicted to result in an amino acid change (p.=). This variant is predicted to alter splicing based on available splicing prediction software (SpliceAI, Jaganathan et al. 2019. PubMed ID: 30661751). However, the use of computer prediction software is not equivalent to functional evidence. To our knowledge, this variant has not been reported in the literature. One submitter to ClinVar observed this variant in an individual with hearing loss and in ClinVar this variant is reported as likely pathogenic and uncertain (Variation ID: 2696095). This variant is reported in 0.0063% of alleles in individuals of Latino descent in gnomAD. At this time, the clinical significance of this variant is uncertain due to the absence of conclusive functional and genetic evidence.

GeneDx
Classification: Likely pathogenic. Last evaluated: 2026-01-29. Review status: criteria provided, single submitter. Criteria: GeneDx Variant Classification Process June 2021. Collection method: clinical testing. Allele origin: germline.
Comment: Not observed at significant frequency in large population cohorts (gnomAD); In silico analysis supports a deleterious effect on splicing; Has not been previously published as pathogenic or benign to our knowledge

Labcorp Genetics (formerly Invitae), Labcorp
Classification: Uncertain significance. Last evaluated: 2022-12-26. Review status: criteria provided, single submitter. Criteria: Invitae Variant Classification Sherloc (09022015). Collection method: clinical testing. Allele origin: germline.
Comment: The frequency data for this variant in the population databases is considered unreliable, as metrics indicate poor data quality at this position in the gnomAD database. This sequence change affects codon 1440 of the OTOGL mRNA. It is a 'silent' change, meaning that it does not change the encoded amino acid sequence of the OTOGL protein. It affects a nucleotide within the consensus splice site. This variant has been observed in individual(s) with deafness (Invitae). Algorithms developed to predict the effect of sequence changes on RNA splicing suggest that this variant may disrupt the consensus splice site. In summary, the available evidence is currently insufficient to determine the role of this variant in disease. Therefore, it has been classified as a Variant of Uncertain Significance.

Blueprint Genetics
Classification: Uncertain significance. Last evaluated: 2020-01-30. Review status: criteria provided, single submitter. Criteria: ACMG Guidelines, 2015. Collection method: clinical testing. Allele origin: germline.